The following is an entry in ClinVar:

ClinVar aggregate classification (germline): Likely benign (1 of 4 stars; one submission).

Allele frequency attached by ClinVar (database versions not stated): gnomAD exomes below 0.00001.
gnomAD v4.1: 1 of 1,613,526 alleles (0.000062%); highest among the groups gnomAD compares: Non-Finnish European, 0.000085%; no homozygotes.

Submission:

GeneDx
Classification: Likely benign. Last evaluated: 2017-01-05. Review status: criteria provided, single submitter. Criteria: GeneDx Variant Classification (06012015). Collection method: clinical testing. Allele origin: germline. Affected: yes.
Comment: This variant is considered likely benign or benign based on one or more of the following criteria: it is a conservative change, it occurs at a poorly conserved position in the protein, it is predicted to be benign by multiple in silico algorithms, and/or has population frequency not consistent with disease.

NM_003680.4(YARS1):c.-28G>A

Genes: S100PBP (S100P binding protein; plus strand), YARS1 (tyrosyl-tRNA synthetase 1; minus strand). Cytogenetic location: 1p35.1.
Variant type: single nucleotide variant.
Coding change: c.-28G>A on transcript NM_003680.4 (MANE Select); 28 bases upstream of the start codon, G replaced by A.
Molecular consequence: 5 prime UTR variant.
Genome position (GRCh38, 1-based): chr1:32,817,272, C>T on the plus strand (G>A on the coding strand, the complement: YARS1 is on the minus strand). VCF-style: chr1-32817272-C-T. GRCh37 (hg19) VCF-style: chr1-33282873-C-T.
Identifiers: ClinVar variation 392635 (VCV000392635.1), dbSNP rs1057524574, ClinGen allele CA16603699.
Genomic context (GRCh38, chr1:32,817,272, plus strand): 5'-CAGTTTCTCTTCAGGGCTGGGAGCGTCCCCCATGGCTCCGCTACCCCTGCTTCCCCCGCT[C>T]AGCCCGGCACCAGAGCCCCTTCCTGGGTCACCGTCGCCGCCGCGTGCCGGGAACTGTCAC-3'